The following is an entry in ClinVar:

NM_003193.5(TBCE):c.898+5A>T

Gene: TBCE (tubulin folding cofactor E; plus strand). Cytogenetic location: 1q42.3.
Variant type: single nucleotide variant.
Coding change: c.898+5A>T on transcript NM_003193.5 (MANE Select); 5 bases into the intron after coding-DNA position 898, A replaced by T.
Molecular consequence: intron variant.
Genome position (GRCh38, 1-based): chr1:235,436,455, A>T. VCF-style: chr1-235436455-A-T. GRCh37 (hg19) VCF-style: chr1-235599770-A-T.
Other names: c.898+5A>T (NM_001079515.3); c.1051+5A>T (NM_001287801.2); c.559+5A>T (NM_001287802.2).
Identifiers: ClinVar variation 193653 (VCV000193653.21), dbSNP rs182294717, ClinGen allele CA200711.

ClinVar aggregate classification (germline): Conflicting classifications of pathogenicity. Review status: criteria provided, conflicting classifications (1 of 4 stars). 4 submissions from 4 submitters: Uncertain significance (1); Likely benign (3). Last evaluated 2026-04-01.

Allele frequency attached by ClinVar (database versions not stated): gnomAD 0.00006; 1000 Genomes Project 30x 0.00016; 1000 Genomes Project 0.00020; TOPMed 0.00026.
gnomAD v4.1: 218 of 1,613,756 alleles (0.014%); highest among the groups gnomAD compares: Admixed American, 0.36%; 1 homozygote.

Submissions (4):

CeGaT Center for Human Genetics Tuebingen
Classification: Likely benign. Last evaluated: 2026-04-01. Review status: criteria provided, single submitter. Criteria: CeGaT Center For Human Genetics Tuebingen Variant Classification Criteria Version 2. Collection method: clinical testing. Allele origin: germline. Affected: yes. Observed: 1 variant allele.
Comment: TBCE: BP4

Labcorp Genetics (formerly Invitae), Labcorp
Classification: Likely benign. Last evaluated: 2026-01-22. Review status: criteria provided, single submitter. Criteria: Invitae Variant Classification Sherloc (09022015). Collection method: clinical testing. Allele origin: germline.

Genetic Services Laboratory, University of Chicago
Classification: Uncertain significance. Last evaluated: 2019-03-18. Review status: criteria provided, single submitter. Criteria: ACMG Guidelines, 2015. Collection method: clinical testing. Allele origin: germline. Affected: no.

Eurofins Ntd Llc (ga)
Classification: Likely benign. Last evaluated: 2015-04-21. Review status: criteria provided, single submitter. Criteria: EGL Classification Definitions 2015. Collection method: clinical testing. Allele origin: germline. Observed: 1 variant allele, 1 heterozygote.